The following is an entry in ClinVar:

NM_004380.3(CREBBP):c.2167T>G (p.Ser723Ala)

Gene: CREBBP (CREB binding lysine acetyltransferase; minus strand). Cytogenetic location: 16p13.3.
Variant type: single nucleotide variant.
Coding change: c.2167T>G on transcript NM_004380.3 (MANE Select); coding-DNA position 2167, T replaced by G.
Protein change: p.Ser723Ala; replaces serine 723 with alanine.
Molecular consequence: missense variant.
Genome position (GRCh38, 1-based): chr16:3,774,685, A>C on the plus strand (T>G on the coding strand, the complement: CREBBP is on the minus strand). VCF-style: chr16-3774685-A-C. GRCh37 (hg19) VCF-style: chr16-3824686-A-C.
Other names: c.2053T>G, p.Ser685Ala (NM_001079846.1); short protein forms S723A, S685A.
Identifiers: ClinVar variation 2881705 (VCV002881705.3), dbSNP rs2548424994, ClinGen allele CA394553419.

ClinVar aggregate classification (germline): Uncertain significance (1 of 4 stars; one submission).

Conditions:
Rubinstein-Taybi syndrome (RSTS). Identifiers: Orphanet 783, MedGen C0035934, MONDO:0019188.

Submission:

Labcorp Genetics (formerly Invitae), Labcorp
Classification: Uncertain significance for Rubinstein-Taybi syndrome. Last evaluated: 2024-11-29. Review status: criteria provided, single submitter. Criteria: Invitae Variant Classification Sherloc (09022015). Collection method: clinical testing. Allele origin: germline.
Comment: This sequence change replaces serine, which is neutral and polar, with alanine, which is neutral and non-polar, at codon 723 of the CREBBP protein (p.Ser723Ala). This variant is not present in population databases (gnomAD no frequency). This variant has not been reported in the literature in individuals affected with CREBBP-related conditions. ClinVar contains an entry for this variant (Variation ID: 2881705). Invitae Evidence Modeling of protein sequence and biophysical properties (such as structural, functional, and spatial information, amino acid conservation, physicochemical variation, residue mobility, and thermodynamic stability) indicates that this missense variant is not expected to disrupt CREBBP protein function with a negative predictive value of 95%. In summary, the available evidence is currently insufficient to determine the role of this variant in disease. Therefore, it has been classified as a Variant of Uncertain Significance.